The following is an entry in ClinVar:

NM_212552.3(BOLA3):c.54G>A (p.Gly18=)

Gene: BOLA3 (bolA family member 3; minus strand). Cytogenetic location: 2p13.1.
Variant type: single nucleotide variant.
Coding change: c.54G>A on transcript NM_212552.3 (MANE Select); coding-DNA position 54, G replaced by A.
Protein change: p.Gly18=; no amino-acid change (glycine 18 retained).
Molecular consequence: synonymous variant.
Genome position (GRCh38, 1-based): chr2:74,147,821, C>T on the plus strand (G>A on the coding strand, the complement: BOLA3 is on the minus strand). VCF-style: chr2-74147821-C-T. GRCh37 (hg19) VCF-style: chr2-74374948-C-T.
Other names: c.54G>A, p.Gly18= (NM_001035505.2).
Identifiers: ClinVar variation 3603225 (VCV003603225.1).

ClinVar aggregate classification (germline): Uncertain significance (1 of 4 stars; one submission).

gnomAD v4.1: 6 of 1,528,734 alleles (0.00039%); highest among the groups gnomAD compares: African/African-American, 0.0041%; no homozygotes.

Submission:

GeneDx
Classification: Uncertain significance. Last evaluated: 2024-08-06. Review status: criteria provided, single submitter. Criteria: GeneDx Variant Classification Process June 2021. Collection method: clinical testing. Allele origin: germline. Affected: yes.
Comment: Not observed at significant frequency in large population cohorts (gnomAD); In silico analysis indicates that this variant does not alter splicing; Has not been previously published as pathogenic or benign to our knowledge